The following is an entry in ClinVar:

NM_005956.4(MTHFD1):c.2057G>A (p.Arg686Gln)

Gene: MTHFD1 (methylenetetrahydrofolate dehydrogenase, cyclohydrolase and formyltetrahydrofolate synthetase 1; plus strand). Cytogenetic location: 14q23.3.
Variant type: single nucleotide variant.
Coding change: c.2057G>A on transcript NM_005956.4 (MANE Select); coding-DNA position 2057, G replaced by A.
Protein change: p.Arg686Gln; replaces arginine 686 with glutamine.
Molecular consequence: missense variant.
Genome position (GRCh38, 1-based): chr14:64,442,323, G>A. VCF-style: chr14-64442323-G-A. GRCh37 (hg19) VCF-style: chr14-64909041-G-A.
Other names: c.2057G>A, p.Arg686Gln (NM_001364837.1); short protein forms R686Q.
Identifiers: ClinVar variation 1986234 (VCV001986234.2), dbSNP rs561724045, ClinGen allele CA7226472.

ClinVar aggregate classification (germline): Uncertain significance (1 of 4 stars; one submission).

Allele frequency attached by ClinVar (database versions not stated): TOPMed 0.00001; ExAC 0.00002; gnomAD 0.00003; gnomAD exomes 0.00008; 1000 Genomes Project 30x 0.00016; 1000 Genomes Project 0.00020.
gnomAD v4.1: 116 of 1,614,210 alleles (0.0072%); highest among the groups gnomAD compares: South Asian, 0.012%; no homozygotes.

Submission:

Labcorp Genetics (formerly Invitae), Labcorp
Classification: Uncertain significance. Last evaluated: 2025-10-06. Review status: criteria provided, single submitter. Criteria: Invitae Variant Classification Sherloc (09022015). Collection method: clinical testing. Allele origin: germline.
Comment: This sequence change replaces arginine, which is basic and polar, with glutamine, which is neutral and polar, at codon 686 of the MTHFD1 protein (p.Arg686Gln). This variant is present in population databases (rs561724045, gnomAD 0.01%). This variant has not been reported in the literature in individuals affected with MTHFD1-related conditions. ClinVar contains an entry for this variant (Variation ID: 1986234). Invitae Evidence Modeling of protein sequence and biophysical properties (such as structural, functional, and spatial information, amino acid conservation, physicochemical variation, residue mobility, and thermodynamic stability) indicates that this missense variant is expected to disrupt MTHFD1 protein function with a positive predictive value of 80%. In summary, the available evidence is currently insufficient to determine the role of this variant in disease. Therefore, it has been classified as a Variant of Uncertain Significance.